The following is an entry in ClinVar:

NM_006236.3(POU3F3):c.1118T>A (p.Met373Lys)

Gene: POU3F3 (POU class 3 homeobox 3; plus strand). Cytogenetic location: 2q12.1.
Variant type: single nucleotide variant.
Coding change: c.1118T>A on transcript NM_006236.3 (MANE Select); coding-DNA position 1118, T replaced by A.
Protein change: p.Met373Lys; replaces methionine 373 with lysine.
Molecular consequence: missense variant.
Genome position (GRCh38, 1-based): chr2:104,856,628, T>A. VCF-style: chr2-104856628-T-A. GRCh37 (hg19) VCF-style: chr2-105473086-T-A.
Other names: short protein forms M373K.
Identifiers: ClinVar variation 3767639 (VCV003767639.1).
Genomic context (GRCh38, chr2:104,856,628, plus strand): 5'-ACGTGTTCTCGCAGACCACCATCTGCCGCTTCGAGGCCCTGCAGCTGAGCTTCAAGAACA[T>A]GTGCAAGCTCAAGCCGCTGCTGAACAAGTGGCTGGAGGAGGCGGACTCAAGCACCGGCAG-3'
Protein context (NP_006227.1, residues 363-383): FEALQLSFKN[Met373Lys]CKLKPLLNKW

ClinVar aggregate classification (germline): Uncertain significance (1 of 4 stars; one submission).

Submission:

GeneDx
Classification: Uncertain significance. Last evaluated: 2024-09-10. Review status: criteria provided, single submitter. Criteria: GeneDx Variant Classification Process June 2021. Collection method: clinical testing. Allele origin: germline. Affected: yes.
Comment: Not observed at significant frequency in large population cohorts (gnomAD); In silico analysis supports that this missense variant has a deleterious effect on protein structure/function; Has not been previously published as pathogenic or benign to our knowledge